The following is an entry in ClinVar:

ClinVar aggregate classification (germline): Uncertain significance. Review status: criteria provided, multiple submitters, no conflicts (2 of 4 stars). 3 submissions from 3 submitters: Uncertain significance (3). Last evaluated 2025-12-16.

Conditions:
Hereditary pheochromocytoma and paraganglioma. Also called: Hereditary Paraganglioma-Pheochromocytoma Syndromes; Hereditary pheochromocytoma-paraganglioma; Hereditary paragangliomas and pheochromocytomas. Identifiers: Orphanet 29072, MedGen C4274332, MONDO:0017366.
Hereditary cancer-predisposing syndrome. Also called: Neoplastic Syndromes, Hereditary; Hereditary neoplastic syndrome; Tumor predisposition; Hereditary Cancer Syndrome. Identifiers: Orphanet 140162, MedGen C0027672, MeSH D009386, MONDO:0015356.
Gastrointestinal stromal tumor. Also called: Gastrointestinal stromal tumor, somatic; Gastrointestinal stroma tumor. Identifiers: Orphanet 44890, MedGen C0238198, MeSH D046152, MONDO:0011719, OMIM 606764, HP:0100723.
Pheochromocytoma/paraganglioma syndrome 3. Also called: GLOMUS TUMORS, FAMILIAL, 3; Paragangliomas 3; SDHC-Related Hereditary Paraganglioma-Pheochromocytoma Syndrome (Paragangliomas 3); SDHC-Related Hereditary Paraganglioma-Pheochromocytoma Syndrome. Identifiers: Orphanet 29072, MedGen C1854336, MONDO:0011544, OMIM 605373.

Submissions (3):

Ambry Genetics
Classification: Uncertain significance for Hereditary cancer-predisposing syndrome. Last evaluated: 2025-12-16. Review status: criteria provided, single submitter. Criteria: Ambry Variant Classification Scheme 2023. Collection method: clinical testing. Allele origin: germline.
Comment: The p.M169V variant (also known as c.505A>G), located in coding exon 6 of the SDHC gene, results from an A to G substitution at nucleotide position 505. The methionine at codon 169 is replaced by valine, an amino acid with highly similar properties. This amino acid position is conserved. In addition, this alteration is predicted to be deleterious by in silico analysis. Based on the available evidence, the clinical significance of this variant remains unclear.

Labcorp Genetics (formerly Invitae), Labcorp
Classification: Uncertain significance for Pheochromocytoma/paraganglioma syndrome 3; Gastrointestinal stromal tumor. Last evaluated: 2024-09-10. Review status: criteria provided, single submitter. Criteria: Invitae Variant Classification Sherloc (09022015). Collection method: clinical testing. Allele origin: germline.
Comment: This sequence change replaces methionine, which is neutral and non-polar, with valine, which is neutral and non-polar, at codon 169 of the SDHC protein (p.Met169Val). This variant is present in population databases (no rsID available, gnomAD 0.0009%). This variant has not been reported in the literature in individuals affected with SDHC-related conditions. ClinVar contains an entry for this variant (Variation ID: 2625082). An algorithm developed to predict the effect of missense changes on protein structure and function (PolyPhen-2) suggests that this variant is likely to be tolerated. In summary, the available evidence is currently insufficient to determine the role of this variant in disease. Therefore, it has been classified as a Variant of Uncertain Significance.

All of Us Research Program, National Institutes of Health
Classification: Uncertain significance for Hereditary pheochromocytoma and paraganglioma. Last evaluated: 2023-12-13. Review status: criteria provided, single submitter. Criteria: ACMG Guidelines, 2015. Collection method: clinical testing. Allele origin: germline. Inheritance: Autosomal dominant inheritance. Observed: 2 variant alleles, 2 heterozygotes.
Comment: This missense variant replaces methionine with valine at codon 169 of the SDHC protein. Computational prediction suggests that this variant may not impact protein structure and function (internally defined REVEL score threshold <= 0.5, PMID: 27666373). To our knowledge, functional studies have not been reported for this variant. This variant has not been reported in individuals affected with SDHC-related disorders in the literature. This variant has been identified in 1/245856 chromosomes in the general population by the Genome Aggregation Database (gnomAD). The available evidence is insufficient to determine the role of this variant in disease conclusively. Therefore, this variant is classified as a Variant of Uncertain Significance.

This study involves interpretation of variants in research participants for the purpose of population health screening. Participant phenotype was not available at the time of variant classification. Additional details can be found in publication PMID: 35346344, PMCID: PMC8962531

NM_003001.5(SDHC):c.505A>G (p.Met169Val)

Gene: SDHC (succinate dehydrogenase complex subunit C; plus strand). Cytogenetic location: 1q23.3.
Variant type: single nucleotide variant.
Coding change: c.505A>G on transcript NM_003001.5 (MANE Select); coding-DNA position 505, A replaced by G.
Protein change: p.Met169Val; replaces methionine 169 with valine.
Molecular consequence: missense variant. On other transcripts: non-coding transcript variant (1).
Genome position (GRCh38, 1-based): chr1:161,362,428, A>G. VCF-style: chr1-161362428-A-G. GRCh37 (hg19) VCF-style: chr1-161332218-A-G.
Other names: c.341A>G, p.His114Arg (NM_001035511.3); c.403A>G, p.Met135Val (NM_001035512.3); c.346A>G, p.Met116Val (NM_001035513.3); c.239A>G, p.His80Arg (NM_001278172.3); c.625A>G, p.Met209Val (NM_001407115.1); c.448A>G, p.Met150Val (NM_001407116.1); c.442A>G, p.Met148Val (NM_001407117.1); c.397A>G, p.Met133Val (NM_001407118.1); and 2 more; short protein forms M132V, H80R, M148V, H114R, M135V, M150V, H95R, M116V.
Identifiers: ClinVar variation 2625082 (VCV002625082.7), dbSNP rs1288173989, ClinGen allele CA343457999.